The following is an entry in ClinVar:

NM_024675.4(PALB2):c.1657C>G (p.His553Asp)

Gene: PALB2 (partner and localizer of BRCA2; minus strand). Cytogenetic location: 16p12.2.
Variant type: single nucleotide variant.
Coding change: c.1657C>G on transcript NM_024675.4 (MANE Select); coding-DNA position 1657, C replaced by G.
Protein change: p.His553Asp; replaces histidine 553 with aspartic acid.
Molecular consequence: missense variant.
Genome position (GRCh38, 1-based): chr16:23,634,889, G>C on the plus strand (C>G on the coding strand, the complement: PALB2 is on the minus strand). VCF-style: chr16-23634889-G-C. GRCh37 (hg19) VCF-style: chr16-23646210-G-C.
Other names: short protein forms H553D.
Identifiers: ClinVar variation 630435 (VCV000630435.4), dbSNP rs1567220555, ClinGen allele CA395130070.

ClinVar aggregate classification (germline): Uncertain significance (1 of 4 stars; one submission).

Conditions:
Hereditary cancer-predisposing syndrome. Also called: Tumor predisposition; Neoplastic Syndromes, Hereditary; Hereditary neoplastic syndrome; Hereditary Cancer Syndrome. Identifiers: Orphanet 140162, MedGen C0027672, MeSH D009386, MONDO:0015356.

Submission:

Color Diagnostics, LLC DBA Color Health
Classification: Uncertain significance for Hereditary cancer-predisposing syndrome. Last evaluated: 2023-12-05. Review status: criteria provided, single submitter. Criteria: ACMG Guidelines, 2015. Collection method: clinical testing. Allele origin: germline.
Comment: This missense variant replaces histidine with aspartic acid at codon 553 of the PALB2 protein. Computational prediction suggests that this variant may not impact protein structure and function (internally defined REVEL score threshold <= 0.5, PMID: 27666373). To our knowledge, functional studies have not been reported for this variant. This variant has not been reported in individuals affected with PALB2-related disorders in the literature. This variant has not been identified in the general population by the Genome Aggregation Database (gnomAD). The available evidence is insufficient to determine the role of this variant in disease conclusively. Therefore, this variant is classified as a Variant of Uncertain Significance.